The following is an entry in ClinVar:

ClinVar aggregate classification (germline): Conflicting classifications of pathogenicity. Review status: criteria provided, conflicting classifications (1 of 4 stars). 2 submissions from 2 submitters: Pathogenic (1); Uncertain significance (1). Last evaluated 2024-01-14.

Conditions:
Lethal multiple pterygium syndrome (LMPS). Identifiers: Orphanet 33108, MedGen C1854678, MONDO:0009668, OMIM 253290.

Allele frequency attached by ClinVar (database versions not stated): ExAC 0.00002; gnomAD exomes 0.00002 and 0.00003; TOPMed 0.00002; gnomAD 0.00003; ESP Exome Variant Server 0.00008.
gnomAD v4.1: 42 of 1,614,030 alleles (0.0026%); highest among the groups gnomAD compares: Non-Finnish European, 0.0031%; no homozygotes.

Submissions (2):

Labcorp Genetics (formerly Invitae), Labcorp
Classification: Pathogenic for Lethal multiple pterygium syndrome. Last evaluated: 2024-01-14. Review status: criteria provided, single submitter. Criteria: Invitae Variant Classification Sherloc (09022015). Collection method: clinical testing. Allele origin: germline.
Comment: This sequence change replaces arginine, which is basic and polar, with cysteine, which is neutral and slightly polar, at codon 244 of the CHRND protein (p.Arg244Cys). This variant is present in population databases (rs376642208, gnomAD 0.006%). This missense change has been observed in individual(s) with autosomal recessive congenital myasthenic syndrome (PMID: 32360402; Invitae). In at least one individual the data is consistent with being in trans (on the opposite chromosome) from a pathogenic variant. It has also been observed to segregate with disease in related individuals. ClinVar contains an entry for this variant (Variation ID: 585671). Advanced modeling of protein sequence and biophysical properties (such as structural, functional, and spatial information, amino acid conservation, physicochemical variation, residue mobility, and thermodynamic stability) performed at Invitae indicates that this missense variant is expected to disrupt CHRND protein function with a positive predictive value of 80%. Experimental studies have shown that this missense change affects CHRND function (PMID: 32360402). For these reasons, this variant has been classified as Pathogenic.

Athena Diagnostics
Classification: Uncertain significance. Last evaluated: 2018-03-27. Review status: criteria provided, single submitter. Criteria: Athena Diagnostics Criteria. Collection method: clinical testing. Allele origin: germline.

Literature cited by the submitters: PubMed 32360402 (cited by Labcorp Genetics (formerly Invitae), Labcorp).

NM_000751.3(CHRND):c.730C>T (p.Arg244Cys)

Gene: CHRND (cholinergic receptor nicotinic delta subunit; plus strand). Cytogenetic location: 2q37.1.
Variant type: single nucleotide variant.
Coding change: c.730C>T on transcript NM_000751.3 (MANE Select); coding-DNA position 730, C replaced by T.
Protein change: p.Arg244Cys; replaces arginine 244 with cysteine.
Molecular consequence: missense variant. On other transcripts: intron variant (1).
Genome position (GRCh38, 1-based): chr2:232,530,049, C>T. VCF-style: chr2-232530049-C-T. GRCh37 (hg19) VCF-style: chr2-233394759-C-T.
Other names: c.685C>T, p.Arg229Cys (NM_001256657.2); c.427C>T, p.Arg143Cys (NM_001311196.2); c.239-1303C>T (NM_001311195.2); short protein forms R244C, R143C, R229C.
Identifiers: ClinVar variation 585671 (VCV000585671.11), dbSNP rs376642208, ClinGen allele CA2168127.